The following is an entry in ClinVar:

NM_000038.6(APC):c.3255A>T (p.Lys1085Asn)

Gene: APC (APC regulator of Wnt signaling pathway; plus strand). Cytogenetic location: 5q22.2.
Variant type: single nucleotide variant.
Coding change: c.3255A>T on transcript NM_000038.6 (MANE Select); coding-DNA position 3255, A replaced by T.
Protein change: p.Lys1085Asn; replaces lysine 1085 with asparagine.
Molecular consequence: missense variant.
Genome position (GRCh38, 1-based): chr5:112,838,849, A>T. VCF-style: chr5-112838849-A-T. GRCh37 (hg19) VCF-style: chr5-112174546-A-T.
Other names: c.3255A>T, p.Lys1085Asn (NM_001127510.3, NM_001354895.2, NM_001407450.1); c.3201A>T, p.Lys1067Asn (NM_001127511.3); c.3309A>T, p.Lys1103Asn (NM_001354896.2, NM_001407447.1, NM_001407448.1 and 1 more transcripts); c.3285A>T, p.Lys1095Asn (NM_001354897.2); c.3180A>T, p.Lys1060Asn (NM_001354898.2); c.3171A>T, p.Lys1057Asn (NM_001354899.2); c.3132A>T, p.Lys1044Asn (NM_001354900.2); c.3078A>T, p.Lys1026Asn (NM_001354901.2, NM_001407453.1); and 11 more; short protein forms K1075N, K959N, K984N, K1060N, K1078N, K1103N, K802N, K1002N.
Identifiers: ClinVar variation 1729454 (VCV001729454.6), dbSNP rs2149888057, ClinGen allele CA16028475.

ClinVar aggregate classification (germline): Uncertain significance. Review status: criteria provided, multiple submitters, no conflicts (2 of 4 stars). 3 submissions from 3 submitters: Uncertain significance (3). Last evaluated 2025-05-05.

Conditions:
Classic or attenuated familial adenomatous polyposis. Identifiers: MedGen CN372698, MONDO:0021057.
Hereditary cancer-predisposing syndrome. Also called: Neoplastic Syndromes, Hereditary; Tumor predisposition; Hereditary Cancer Syndrome; Hereditary neoplastic syndrome. Identifiers: Orphanet 140162, MedGen C0027672, MeSH D009386, MONDO:0015356.
Familial adenomatous polyposis 1 (FAP1). Also called: FAMILIAL ADENOMATOUS POLYPOSIS 1, ATTENUATED; POLYPOSIS, ADENOMATOUS INTESTINAL. Identifiers: MedGen C2713442, MONDO:0021056, OMIM 175100. Disease mechanism: loss of function.

Submissions (3):

Labcorp Genetics (formerly Invitae), Labcorp
Classification: Uncertain significance for Familial adenomatous polyposis 1. Last evaluated: 2025-05-05. Review status: criteria provided, single submitter. Criteria: Invitae Variant Classification Sherloc (09022015). Collection method: clinical testing. Allele origin: germline.
Comment: This sequence change replaces lysine, which is basic and polar, with asparagine, which is neutral and polar, at codon 1085 of the APC protein (p.Lys1085Asn). This variant is not present in population databases (gnomAD no frequency). This variant has not been reported in the literature in individuals affected with APC-related conditions. ClinVar contains an entry for this variant (Variation ID: 1729454). Invitae Evidence Modeling of protein sequence and biophysical properties (such as structural, functional, and spatial information, amino acid conservation, physicochemical variation, residue mobility, and thermodynamic stability) indicates that this missense variant is not expected to disrupt APC protein function with a negative predictive value of 95%. In summary, the available evidence is currently insufficient to determine the role of this variant in disease. Therefore, it has been classified as a Variant of Uncertain Significance.

All of Us Research Program, National Institutes of Health
Classification: Uncertain significance for Classic or attenuated familial adenomatous polyposis. Last evaluated: 2023-08-28. Review status: criteria provided, single submitter. Criteria: ACMG Guidelines, 2015. Collection method: clinical testing. Allele origin: germline. Inheritance: Autosomal dominant inheritance. Observed: 1 variant allele, 1 heterozygote.
Comment: This missense variant replaces lysine with asparagine at codon 1085 of the APC protein. Computational prediction suggests that this variant may not impact protein structure and function (internally defined REVEL score threshold <= 0.5, PMID: 27666373). To our knowledge, functional studies have not been reported for this variant. This variant has not been reported in individuals affected with APC-related disorders in the literature. This variant has not been identified in the general population by the Genome Aggregation Database (gnomAD). The available evidence is insufficient to determine the role of this variant in disease conclusively. Therefore, this variant is classified as a Variant of Uncertain Significance.

This study involves interpretation of variants in research participants for the purpose of population health screening. Participant phenotype was not available at the time of variant classification. Additional details can be found in publication PMID: 35346344, PMCID: PMC8962531

Ambry Genetics
Classification: Uncertain significance for Hereditary cancer-predisposing syndrome. Last evaluated: 2022-04-08. Review status: criteria provided, single submitter. Criteria: Ambry Variant Classification Scheme 2023. Collection method: clinical testing. Allele origin: germline.
Comment: The p.K1085N variant (also known as c.3255A>T), located in coding exon 15 of the APC gene, results from an A to T substitution at nucleotide position 3255. The lysine at codon 1085 is replaced by asparagine, an amino acid with similar properties. This amino acid position is conserved. In addition, in silico predictors for this gene do not accurately predict pathogenicity. Since supporting evidence is limited at this time, the clinical significance of this alteration remains unclear.